The following is an entry in ClinVar:

ClinVar aggregate classification (germline): Pathogenic (1 of 4 stars; one submission).

Conditions:
Fanconi anemia complementation group J. Also called: BRIP1-Related Fanconi Anemia. Identifiers: Orphanet 84, MedGen C1836860, MONDO:0012187, OMIM 609054.
Familial cancer of breast. Also called: BREAST CANCER, FAMILIAL; hereditary breast carcinoma; Hereditary breast cancer. Identifiers: Orphanet 227535, MedGen C0346153, MONDO:0016419, OMIM 114480. Disease mechanism: loss of function.

Submission:

Labcorp Genetics (formerly Invitae), Labcorp
Classification: Pathogenic for Familial cancer of breast; Fanconi anemia complementation group J. Last evaluated: 2017-09-18. Review status: criteria provided, single submitter. Criteria: Invitae Variant Classification Sherloc (09022015). Collection method: clinical testing. Allele origin: germline.
Comment: This sequence change creates a premature translational stop signal (p.Ile640Hisfs*2) in the BRIP1 gene. It is expected to result in an absent or disrupted protein product. This variant is not present in population databases (ExAC no frequency). This variant has not been reported in the literature in individuals with BRIP1-related disease. Loss-of-function variants in BRIP1 are known to be pathogenic (PMID: 16116423, 17033622, 21964575). For these reasons, this variant has been classified as Pathogenic.

Literature cited by the submitters: PubMed 16116423; PubMed 17033622; PubMed 21964575.

NM_032043.3(BRIP1):c.1918_1919del (p.Ile640fs)

Gene: BRIP1 (BRCA1 interacting DNA helicase 1; minus strand). Cytogenetic location: 17q23.2.
Variant type: Microsatellite.
Coding change: c.1918_1919del on transcript NM_032043.3 (MANE Select); coding-DNA positions 1918 to 1919, 2 bases deleted (AT; older notation c.1918_1919delAT).
Protein change: p.Ile640fs; shifts the reading frame from isoleucine 640.
Molecular consequence: frameshift variant.
Genome position (GRCh38, 1-based): chr17:61,780,277-61,780,278, AT deleted on the plus strand (AT on the coding strand, the reverse complement: BRIP1 is on the minus strand); deleting any 2 consecutive bases within chr17:61,780,277-61,780,280 gives the same sequence; the c. name uses the placement nearest the transcript's 3' end. VCF-style (leftmost placement, unchanged base first): chr17-61780276-GAT-G. GRCh37 (hg19) VCF-style: chr17-59857637-GAT-G.
Other names: c.1918_1919delAT (NM_032043.2); short protein forms I640fs.
Identifiers: ClinVar variation 530352 (VCV000530352.7), dbSNP rs1555602127, ClinGen allele CA658798937.